The following is an entry in ClinVar:

NM_000090.4(COL3A1):c.40G>A (p.Ala14Thr)

Gene: COL3A1 (collagen type III alpha 1 chain; plus strand). Cytogenetic location: 2q32.2.
Variant type: single nucleotide variant.
Coding change: c.40G>A on transcript NM_000090.4 (MANE Select); coding-DNA position 40, G replaced by A.
Protein change: p.Ala14Thr; replaces alanine 14 with threonine.
Molecular consequence: missense variant.
Genome position (GRCh38, 1-based): chr2:188,974,529, G>A. VCF-style: chr2-188974529-G-A. GRCh37 (hg19) VCF-style: chr2-189839255-G-A.
Other names: short protein forms A14T.
Identifiers: ClinVar variation 919615 (VCV000919615.13), dbSNP rs547373542, ClinGen allele CA62577062.
Genomic context (GRCh38, chr2:188,974,529, plus strand): 5'-TCTCATGTCTGATATTTAGACATGATGAGCTTTGTGCAAAAGGGGAGCTGGCTACTTCTC[G>A]CTCTGCTTCATCCCACTATTATTTTGGCACAACAGGAAGGTGAGTAGGTACTGATTTCAA-3'
Protein context (NP_000081.2, residues 4-24): FVQKGSWLLL[Ala14Thr]LLHPTIILAQ

ClinVar aggregate classification (germline): Uncertain significance. Review status: criteria provided, multiple submitters, no conflicts (2 of 4 stars). 6 submissions from 6 submitters: Uncertain significance (6). Last evaluated 2026-07-13.

Conditions:
Familial thoracic aortic aneurysm and aortic dissection (TAAD). Also called: Thoracic aortic aneurysms and dissections. Identifiers: Orphanet 91387, MedGen C4707243, MONDO:0019625.
Ehlers-Danlos syndrome, type 4 (EDSVASC). Also called: Ehlers-Danlos Syndrome Type IV; Ehlers-Danlos syndrome vascular type; Ehlers Danlos syndrome, ecchymotic type; Ehlers Danlos syndrome, arterial type; Ehlers Danlos syndrome, Sack-Barabas type. Identifiers: Orphanet 286, MedGen C0268338, MONDO:0017314, OMIM 130050.

Allele frequency attached by ClinVar (database versions not stated): gnomAD 0.00001; TOPMed 0.00002.
gnomAD v4.1: 11 of 1,613,904 alleles (0.00068%); highest among the groups gnomAD compares: South Asian, 0.0011%; no homozygotes.

Submissions (6):

Ambry Genetics
Classification: Uncertain significance for Familial thoracic aortic aneurysm and aortic dissection. Last evaluated: 2026-07-13. Review status: criteria provided, single submitter. Criteria: Ambry Variant Classification Scheme 2023. Collection method: clinical testing. Allele origin: germline.
Comment: The p.A14T variant (also known as c.40G>A), located in coding exon 1 of the COL3A1 gene, results from a G to A substitution at nucleotide position 40. The alanine at codon 14 is replaced by threonine, an amino acid with similar properties. This amino acid position is conserved. In addition, this alteration is predicted to be tolerated by in silico analysis. Based on the available evidence, the clinical significance of this variant remains unclear.

Color Diagnostics, LLC DBA Color Health
Classification: Uncertain significance for Familial thoracic aortic aneurysm and aortic dissection. Last evaluated: 2024-03-06. Review status: criteria provided, single submitter. Criteria: ACMG Guidelines, 2015. Collection method: clinical testing. Allele origin: germline.
Comment: This missense variant replaces alanine with threonine at codon 14 of the COL3A1 protein. Computational prediction suggests that this variant may not impact protein structure and function (internally defined REVEL score threshold <= 0.5, PMID: 27666373). To our knowledge, functional studies have not been reported for this variant. This variant has not been reported in individuals affected with COL3A1-related disorders in the literature. This variant has been identified in 1/31378 chromosomes in the general population by the Genome Aggregation Database (gnomAD). The available evidence is insufficient to determine the role of this variant in disease conclusively. Therefore, this variant is classified as a Variant of Uncertain Significance.

All of Us Research Program, National Institutes of Health
Classification: Uncertain significance for Ehlers-Danlos syndrome, type 4. Last evaluated: 2023-08-15. Review status: criteria provided, single submitter. Criteria: ACMG Guidelines, 2015. Collection method: clinical testing. Allele origin: germline. Inheritance: Autosomal dominant inheritance. Observed: 2 variant alleles, 2 heterozygotes.
Comment: This missense variant replaces alanine with threonine at codon 14 of the COL3A1 protein. Computational prediction suggests that this variant may not impact protein structure and function (internally defined REVEL score threshold <= 0.5, PMID: 27666373). Splice site prediction tools suggest that this variant may not impact RNA splicing. To our knowledge, functional studies have not been performed for this variant. This variant has not been reported in individuals affected with cardiovascular disorders in the literature. This variant has been identified in 1/31378 chromosomes in the general population by the Genome Aggregation Database (gnomAD). The available evidence is insufficient to determine the role of this variant in disease conclusively. Therefore, this variant is classified as a Variant of Uncertain Significance.

This study involves interpretation of variants in research participants for the purpose of population health screening. Participant phenotype was not available at the time of variant classification. Additional details can be found in publication PMID: 35346344, PMCID: PMC8962531

GeneDx
Classification: Uncertain significance. Last evaluated: 2023-06-23. Review status: criteria provided, single submitter. Criteria: GeneDx Variant Classification Process June 2021. Collection method: clinical testing. Allele origin: germline. Affected: yes.
Comment: Not observed at significant frequency in large population cohorts (gnomAD); In silico analysis supports that this missense variant does not alter protein structure/function; Has not been previously published as pathogenic or benign to our knowledge

Labcorp Genetics (formerly Invitae), Labcorp
Classification: Uncertain significance for Ehlers-Danlos syndrome, type 4. Last evaluated: 2022-11-17. Review status: criteria provided, single submitter. Criteria: Invitae Variant Classification Sherloc (09022015). Collection method: clinical testing. Allele origin: germline.
Comment: This variant has not been reported in the literature in individuals affected with COL3A1-related conditions. This variant is present in population databases (no rsID available, gnomAD 0.007%). This sequence change replaces alanine, which is neutral and non-polar, with threonine, which is neutral and polar, at codon 14 of the COL3A1 protein (p.Ala14Thr). ClinVar contains an entry for this variant (Variation ID: 919615). In summary, the available evidence is currently insufficient to determine the role of this variant in disease. Therefore, it has been classified as a Variant of Uncertain Significance. Advanced modeling of protein sequence and biophysical properties (such as structural, functional, and spatial information, amino acid conservation, physicochemical variation, residue mobility, and thermodynamic stability) performed at Invitae indicates that this missense variant is not expected to disrupt COL3A1 protein function.

MGZ Medical Genetics Center
Classification: Uncertain significance for Ehlers-Danlos syndrome, type 4. Last evaluated: 2022-01-04. Review status: criteria provided, single submitter. Criteria: ACMG Guidelines, 2015. Collection method: clinical testing. Allele origin: germline. Affected: yes. Observed: 1 variant allele.
Comment: ACMG criteria applied: PM2_SUP, PP2